The following is an entry in ClinVar:

ClinVar aggregate classification (germline): Uncertain significance (1 of 4 stars; one submission).

Conditions:
Developmental and epileptic encephalopathy, 37 (DEE37). Also called: Epileptic encephalopathy, early infantile, 37. Identifiers: MedGen C4310770, MONDO:0014859, OMIM 616981.

Allele frequency attached by ClinVar (database versions not stated): gnomAD 0.00001.

Submission:

Labcorp Genetics (formerly Invitae), Labcorp
Classification: Uncertain significance for Developmental and epileptic encephalopathy, 37. Last evaluated: 2019-08-29. Review status: criteria provided, single submitter. Criteria: Invitae Variant Classification Sherloc (09022015). Collection method: clinical testing. Allele origin: germline.
Comment: This sequence change replaces glutamic acid with glycine at codon 184 of the FRRS1L protein (p.Glu184Gly). The glutamic acid residue is highly conserved and there is a moderate physicochemical difference between glutamic acid and glycine. In summary, the available evidence is currently insufficient to determine the role of this variant in disease. Therefore, it has been classified as a Variant of Uncertain Significance. Algorithms developed to predict the effect of missense changes on protein structure and function are either unavailable or do not agree on the potential impact of this missense change (SIFT: "Tolerated"; PolyPhen-2: "Possibly Damaging"; Align-GVGD: "Class C0"). This variant has not been reported in the literature in individuals with FRRS1L-related conditions. This variant is not present in population databases (ExAC no frequency).

NM_014334.4(FRRS1L):c.398A>G (p.Glu133Gly)

Gene: FRRS1L (ferric chelate reductase 1 like; minus strand). Cytogenetic location: 9q31.3.
Variant type: single nucleotide variant.
Coding change: c.398A>G on transcript NM_014334.4 (MANE Select); coding-DNA position 398, A replaced by G.
Protein change: p.Glu133Gly; replaces glutamic acid 133 with glycine.
Molecular consequence: missense variant.
Genome position (GRCh38, 1-based): chr9:109,147,115, T>C on the plus strand (A>G on the coding strand, the complement: FRRS1L is on the minus strand). VCF-style: chr9-109147115-T-C. GRCh37 (hg19) VCF-style: chr9-111909395-T-C.
Other names: short protein forms E133G.
Identifiers: ClinVar variation 934664 (VCV000934664.10), dbSNP rs1831271908, ClinGen allele CA374426903.
Genomic context (GRCh38, chr9:109,147,115, plus strand): 5'-TTCTTGTCTGAAGAGAATCCAACTGCTACCCAACCATCTGTGTCTGCACTCAGCTCAAAT[T>C]CTACATCAGCCCCTATCATCCGGTAGCTGAGGAAATAGTCACAGGTCTCTGCATTACAGC-3'
Protein context (NP_055149.3, residues 123-143): LSYRMIGADV[Glu133Gly]FELSADTDGW